The following is an entry in ClinVar:

ClinVar aggregate classification (germline): Likely benign. Review status: criteria provided, multiple submitters, no conflicts (2 of 4 stars). 3 submissions from 3 submitters: Likely benign (3). Last evaluated 2023-10-03.

Conditions:
Cardiovascular phenotype. Identifiers: MedGen CN230736.

Allele frequency attached by ClinVar (database versions not stated): gnomAD 0.00001; gnomAD exomes 0.00001.
gnomAD v4.1: 13 of 1,548,244 alleles (0.00084%); highest among the groups gnomAD compares: East Asian, 0.0024%; no homozygotes.

Submissions (3):

Women's Health and Genetics/Laboratory Corporation of America, LabCorp
Classification: Likely benign. Last evaluated: 2023-10-03. Review status: criteria provided, single submitter. Criteria: LabCorp Variant Classification Summary - May 2015. Collection method: clinical testing. Allele origin: germline.
Comment: Variant summary: ZNF469 c.10794G>A alters a non-conserved nucleotide resulting in a synonymous change. Consensus agreement among computation tools predict no significant impact on normal splicing. However, these predictions have yet to be confirmed by functional studies. The variant allele was found at a frequency of 1.3e-05 in 150966 control chromosomes (gnomAD). The available data on variant occurrences in the general population are insufficient to allow any conclusion about variant significance. To our knowledge, no occurrence of c.10794G>A in individuals affected with Brittle Cornea Syndrome 1 and no experimental evidence demonstrating its impact on protein function have been reported. One submitter has cited clinical-significance assessments for this variant to ClinVar after 2014 and has classified the variant as likely benign. Based on the evidence outlined above, the variant was classified as likely benign.

Labcorp Genetics (formerly Invitae), Labcorp
Classification: Likely benign. Last evaluated: 2023-09-10. Review status: criteria provided, single submitter. Criteria: Invitae Variant Classification Sherloc (09022015). Collection method: clinical testing. Allele origin: germline.

Ambry Genetics
Classification: Likely benign for Cardiovascular phenotype. Last evaluated: 2021-02-03. Review status: criteria provided, single submitter. Criteria: Ambry Variant Classification Scheme 2023. Collection method: clinical testing. Allele origin: germline.

NM_001367624.2(ZNF469):c.10794G>A (p.Gly3598=)

Gene: ZNF469 (zinc finger protein 469; plus strand). Cytogenetic location: 16q24.2.
Variant type: single nucleotide variant.
Coding change: c.10794G>A on transcript NM_001367624.2 (MANE Select); coding-DNA position 10794, G replaced by A.
Protein change: p.Gly3598=; no amino-acid change (glycine 3598 retained).
Molecular consequence: synonymous variant.
Genome position (GRCh38, 1-based): chr16:88,438,264, G>A. VCF-style: chr16-88438264-G-A. GRCh37 (hg19) VCF-style: chr16-88504672-G-A.
Other names: NM_001127464.1:c.10710G>A.
Identifiers: ClinVar variation 1783378 (VCV001783378.6), dbSNP rs1333250555, ClinGen allele CA497359469.